The following is an entry in ClinVar:

NM_000322.5(PRPH2):c.695C>A (p.Ala232Glu)

Gene: PRPH2 (peripherin 2; minus strand). Cytogenetic location: 6p21.1.
Variant type: single nucleotide variant.
Coding change: c.695C>A on transcript NM_000322.5 (MANE Select); coding-DNA position 695, C replaced by A.
Protein change: p.Ala232Glu; replaces alanine 232 with glutamic acid.
Molecular consequence: missense variant.
Genome position (GRCh38, 1-based): chr6:42,704,498, G>T on the plus strand (C>A on the coding strand, the complement: PRPH2 is on the minus strand). VCF-style: chr6-42704498-G-T. GRCh37 (hg19) VCF-style: chr6-42672236-G-T.
Other names: short protein forms A232E.
Identifiers: ClinVar variation 1006733 (VCV001006733.10), dbSNP rs1800113364, ClinGen allele CA364135272.

ClinVar aggregate classification (germline): Pathogenic (1 of 4 stars; one submission).

Conditions:
PRPH2-related disorder. Also called: PRPH2-related condition; PRPH2-related disorders. Identifiers: MedGen CN239395.

Submission:

Labcorp Genetics (formerly Invitae), Labcorp
Classification: Pathogenic for PRPH2-related disorder. Last evaluated: 2023-05-08. Review status: criteria provided, single submitter. Criteria: Invitae Variant Classification Sherloc (09022015). Collection method: clinical testing. Allele origin: germline.
Comment: This variant is not present in population databases (gnomAD no frequency). For these reasons, this variant has been classified as Pathogenic. This variant disrupts the p.Ala232 amino acid residue in PRPH2. Other variant(s) that disrupt this residue have been determined to be pathogenic (Invitae). This suggests that this residue is clinically significant, and that variants that disrupt this residue are likely to be disease-causing. Advanced modeling of protein sequence and biophysical properties (such as structural, functional, and spatial information, amino acid conservation, physicochemical variation, residue mobility, and thermodynamic stability) performed at Invitae indicates that this missense variant is expected to disrupt PRPH2 protein function. ClinVar contains an entry for this variant (Variation ID: 1006733). This missense change has been observed in individuals with clinical features of autosomal dominant PRPH2-related conditions (Invitae). This sequence change replaces alanine, which is neutral and non-polar, with glutamic acid, which is acidic and polar, at codon 232 of the PRPH2 protein (p.Ala232Glu).